The following is an entry in ClinVar:

ClinVar aggregate classification (germline): Uncertain significance. Review status: criteria provided, multiple submitters, no conflicts (2 of 4 stars). 2 submissions from 2 submitters: Uncertain significance (2). Last evaluated 2025-10-16.

Conditions:
Inborn genetic diseases. Identifiers: MedGen C0950123, MeSH D030342.

Allele frequency attached by ClinVar (database versions not stated): ESP Exome Variant Server 0.00008; ExAC 0.00002; gnomAD exomes 0.00001; TOPMed 0.00003; gnomAD 0.00003.
gnomAD v4.1: 9 of 1,613,846 alleles (0.00056%); highest among the groups gnomAD compares: African/African-American, 0.0093%; no homozygotes.

Submissions (2):

Labcorp Genetics (formerly Invitae), Labcorp
Classification: Uncertain significance. Last evaluated: 2025-10-16. Review status: criteria provided, single submitter. Criteria: Invitae Variant Classification Sherloc (09022015). Collection method: clinical testing. Allele origin: germline.
Comment: This sequence change replaces lysine, which is basic and polar, with asparagine, which is neutral and polar, at codon 898 of the ASXL2 protein (p.Lys898Asn). This variant is present in population databases (rs376684713, gnomAD 0.008%). This variant has not been reported in the literature in individuals affected with ASXL2-related conditions. ClinVar contains an entry for this variant (Variation ID: 2891401). Experimental studies and prediction algorithms are not available or were not evaluated, and the functional significance of this variant is currently unknown. In summary, the available evidence is currently insufficient to determine the role of this variant in disease. Therefore, it has been classified as a Variant of Uncertain Significance.

Ambry Genetics
Classification: Uncertain significance for Inborn genetic diseases. Last evaluated: 2025-08-31. Review status: criteria provided, single submitter. Criteria: Ambry Variant Classification Scheme 2023. Collection method: clinical testing. Allele origin: germline.

NM_018263.6(ASXL2):c.2694G>C (p.Lys898Asn)

Gene: ASXL2 (ASXL transcriptional regulator 2; minus strand). Cytogenetic location: 2p23.3.
Variant type: single nucleotide variant.
Coding change: c.2694G>C on transcript NM_018263.6 (MANE Select); coding-DNA position 2694, G replaced by C.
Protein change: p.Lys898Asn; replaces lysine 898 with asparagine.
Molecular consequence: missense variant.
Genome position (GRCh38, 1-based): chr2:25,743,643, C>G on the plus strand (G>C on the coding strand, the complement: ASXL2 is on the minus strand). VCF-style: chr2-25743643-C-G. GRCh37 (hg19) VCF-style: chr2-25966512-C-G.
Other names: c.2520G>C, p.Lys840Asn (NM_001369346.1); c.1914G>C, p.Lys638Asn (NM_001369347.1); c.2694G>C (NM_018263.4); short protein forms K638N, K898N, K840N.
Identifiers: ClinVar variation 2891401 (VCV002891401.4), dbSNP rs376684713, ClinGen allele CA1557595.